The following is an entry in ClinVar:

NM_001080421.3(UNC13A):c.4272+1_4272+2delinsA

Gene: UNC13A (unc-13 homolog A; minus strand). Cytogenetic location: 19p13.11.
Variant type: Indel.
Coding change: c.4272+1_4272+2delinsA on transcript NM_001080421.3 (MANE Select); the canonical splice donor site of the intron after coding-DNA position 4272, GT replaced by A.
Molecular consequence: splice donor variant. On other transcripts: intron variant (1).
Genome position (GRCh38, 1-based): chr19:17,620,691-17,620,692, AC replaced by T on the plus strand (GT replaced by A on the coding strand, the reverse complement: UNC13A is on the minus strand). VCF-style: chr19-17620691-AC-T. GRCh37 (hg19) VCF-style: chr19-17731500-AC-T.
Other names: c.4257+1_4257+2delinsA (NM_001387022.1); c.4192-1730_4192-1729delinsA (NM_001387023.1); c.4260+1_4260+2delinsA (NM_001387021.1).
Identifiers: ClinVar variation 4540398 (VCV004540398.1).

ClinVar aggregate classification (germline): Uncertain significance (1 of 4 stars; one submission).

Submission:

GeneDx
Classification: Uncertain significance. Last evaluated: 2025-06-24. Review status: criteria provided, single submitter. Criteria: GeneDx Variant Classification Process June 2021. Collection method: clinical testing. Allele origin: germline. Affected: yes.
Comment: Not observed at significant frequency in large population cohorts (gnomAD); Canonical splice site variant in a gene or region of a gene for which loss of function is not a well-established mechanism of disease; Has not been previously published as pathogenic or benign to our knowledge